The following is an entry in ClinVar:

ClinVar aggregate classification (germline): Uncertain significance (1 of 4 stars; one submission).

Conditions:
Spermatogenic failure 18. Identifiers: MedGen C4539783, MONDO:0054615, OMIM 617576.
Ciliary dyskinesia, primary, 37 (CILD37). Also called: CILIARY DYSKINESIA, PRIMARY, 37, WITH OR WITHOUT SITUS INVERSUS. Identifiers: MedGen C4539798, MONDO:0033204, OMIM 617577.

Allele frequency attached by ClinVar (database versions not stated): ExAC 0.00001; gnomAD 0.00001; gnomAD exomes 0.00001; TOPMed 0.00001.
gnomAD v4.1: 18 of 1,613,436 alleles (0.0011%); highest among the groups gnomAD compares: East Asian, 0.0089%; no homozygotes.

Submission:

Labcorp Genetics (formerly Invitae), Labcorp
Classification: Uncertain significance for Ciliary dyskinesia, primary, 37; Spermatogenic failure 18. Last evaluated: 2022-06-02. Review status: criteria provided, single submitter. Criteria: Invitae Variant Classification Sherloc (09022015). Collection method: clinical testing. Allele origin: germline.
Comment: In summary, the available evidence is currently insufficient to determine the role of this variant in disease. Therefore, it has been classified as a Variant of Uncertain Significance. Algorithms developed to predict the effect of missense changes on protein structure and function are either unavailable or do not agree on the potential impact of this missense change (SIFT: "Deleterious"; PolyPhen-2: "Probably Damaging"; Align-GVGD: "Class C0"). This variant has not been reported in the literature in individuals affected with DNAH1-related conditions. This variant is present in population databases (rs767373969, gnomAD 0.008%). This sequence change replaces arginine, which is basic and polar, with histidine, which is basic and polar, at codon 3272 of the DNAH1 protein (p.Arg3272His).

NM_015512.5(DNAH1):c.9815G>A (p.Arg3272His)

Gene: DNAH1 (dynein axonemal heavy chain 1; plus strand). Cytogenetic location: 3p21.1.
Variant type: single nucleotide variant.
Coding change: c.9815G>A on transcript NM_015512.5 (MANE Select); coding-DNA position 9815, G replaced by A.
Protein change: p.Arg3272His; replaces arginine 3272 with histidine.
Molecular consequence: missense variant.
Genome position (GRCh38, 1-based): chr3:52,391,252, G>A. VCF-style: chr3-52391252-G-A. GRCh37 (hg19) VCF-style: chr3-52425268-G-A.
Other names: short protein forms R3272H.
Identifiers: ClinVar variation 2416628 (VCV002416628.7), dbSNP rs767373969, ClinGen allele CA2435626.